The following is an entry in ClinVar:

ClinVar aggregate classification (germline): Pathogenic (1 of 4 stars; one submission).

Submission:

Labcorp Genetics (formerly Invitae), Labcorp
Classification: Pathogenic. Last evaluated: 2022-06-25. Review status: criteria provided, single submitter. Criteria: Invitae Variant Classification Sherloc (09022015). Collection method: clinical testing. Allele origin: germline.
Comment: This sequence change creates a premature translational stop signal (p.Tyr237Leufs*92) in the TSFM gene. While this is not anticipated to result in nonsense mediated decay, it is expected to disrupt the last 110 amino acid(s) of the TSFM protein. This variant is not present in population databases (gnomAD no frequency). This variant has not been reported in the literature in individuals affected with TSFM-related conditions. This variant disrupts a region of the TSFM protein in which other variant(s) (p.Arg333Trp) have been determined to be pathogenic (PMID: 17033963, 21741925, 22277967). This suggests that this is a clinically significant region of the protein, and that variants that disrupt it are likely to be disease-causing. For these reasons, this variant has been classified as Pathogenic.

Literature cited by the submitters: PubMed 17033963; PubMed 21741925; PubMed 22277967.

NM_005726.6(TSFM):c.647del (p.Tyr216fs)

Gene: TSFM (Ts translation elongation factor, mitochondrial; plus strand). Cytogenetic location: 12q14.1.
Variant type: Deletion.
Coding change: c.647del on transcript NM_005726.6 (MANE Select); coding-DNA position 647, one base deleted (A; older notation c.647delA).
Protein change: p.Tyr216fs; shifts the reading frame from tyrosine 216.
Molecular consequence: frameshift variant. On other transcripts: 3 prime UTR variant (1), intron variant (1).
Genome position (GRCh38, 1-based): chr12:57,796,252, A deleted. VCF-style (leftmost placement, unchanged base first): chr12-57796251-TA-T. GRCh37 (hg19) VCF-style: chr12-58190034-TA-T.
Other names: c.*55del (NM_001172695.2); c.710del, p.Tyr237fs (NM_001172696.2); c.571+3179del (NM_001172697.2); short protein forms Y237fs, Y216fs.
Identifiers: ClinVar variation 2059617 (VCV002059617.4), dbSNP rs2540965100, ClinGen allele CA2580086583.
Genomic context (GRCh38, chr12:57,796,251, plus strand): 5'-AACATGATTCTTAAACGAGCTGCATGGGTGAAGGTGCCATCTGGGTTCTACGTTGGCTCT[TA>T]TGTCCACGGAGCAATGCAGAGTCCCTCACTTCACAAGCTGGTGCTGGGGAAGTATGGGGC-3'